The following is an entry in ClinVar:

NM_000535.7(PMS2):c.953A>G (p.Tyr318Cys)

Gene: PMS2 (PMS1 homolog 2, mismatch repair system component; minus strand). Cytogenetic location: 7p22.1.
Variant type: single nucleotide variant.
Coding change: c.953A>G on transcript NM_000535.7 (MANE Select); coding-DNA position 953, A replaced by G.
Protein change: p.Tyr318Cys; replaces tyrosine 318 with cysteine.
Molecular consequence: missense variant. On other transcripts: non-coding transcript variant (1).
Genome position (GRCh38, 1-based): chr7:5,992,008, T>C on the plus strand (A>G on the coding strand, the complement: PMS2 is on the minus strand). VCF-style: chr7-5992008-T-C. GRCh37 (hg19) VCF-style: chr7-6031639-T-C.
Other names: p.Y318C:TAT>TGT; c.548A>G, p.Tyr183Cys (NM_001322003.2, NM_001322004.2, NM_001322005.2 and 2 more transcripts); c.953A>G, p.Tyr318Cys (NM_001322006.2, NM_001322014.2); c.635A>G, p.Tyr212Cys (NM_001322007.2, NM_001322008.2); c.20A>G, p.Tyr7Cys (NM_001322011.2, NM_001322012.2); c.380A>G, p.Tyr127Cys (NM_001322013.2); c.644A>G, p.Tyr215Cys (NM_001322015.2); short protein forms Y318C, Y127C, Y183C, Y212C, Y215C, Y7C.
Identifiers: ClinVar variation 41722 (VCV000041722.75), dbSNP rs139438201, ClinGen allele CA013361.

ClinVar aggregate classification (germline): Conflicting classifications of pathogenicity. Review status: criteria provided, conflicting classifications (1 of 4 stars). 22 submissions from 22 submitters: Uncertain significance (5); Benign (5); Likely benign (8). 4 of the submissions do not count toward it. Last evaluated 2026-09-01.

Conditions:
PMS2-related disorder. Also called: PMS2-related condition.
Hereditary nonpolyposis colorectal neoplasms. Identifiers: MedGen C0009405, MeSH D003123.
Hereditary cancer-predisposing syndrome. Also called: Hereditary Cancer Syndrome; Neoplastic Syndromes, Hereditary; Hereditary neoplastic syndrome; Tumor predisposition. Identifiers: Orphanet 140162, MedGen C0027672, MeSH D009386, MONDO:0015356.
Lynch syndrome. Identifiers: Orphanet 144, MedGen C4552100, MONDO:0005835. Disease mechanism: loss of function.
Lynch syndrome 4 (LYNCH4). Also called: Colorectal cancer, hereditary nonpolyposis, type 4; Hereditary non-polyposis colorectal cancer, type 4. Identifiers: Orphanet 144, MedGen C1838333, MONDO:0013699, OMIM 614337. Disease mechanism: loss of function.
Malignant tumor of breast. Also called: Malignant breast neoplasm; Cancer breast. Identifiers: MedGen C0006142, MONDO:0007254. Disease mechanism: loss of function.

Allele frequency attached by ClinVar (database versions not stated): 1000 Genomes Project 0.00020; gnomAD exomes 0.00020 and 0.00043; TOPMed 0.00020; gnomAD 0.00019 and 0.00022; 1000 Genomes Project 30x 0.00031; ESP Exome Variant Server 0.00038; ExAC 0.00036.
gnomAD v4.1: 353 of 1,600,866 alleles (0.022%); highest among the groups gnomAD compares: Middle Eastern, 0.033%; no homozygotes.

Submissions 1 to 16 of 22:

CeGaT Center for Human Genetics Tuebingen
Classification: Likely benign. Last evaluated: 2026-09-01. Review status: criteria provided, single submitter. Criteria: CeGaT Center For Human Genetics Tuebingen Variant Classification Criteria Version 2. Collection method: clinical testing. Allele origin: germline. Affected: yes. Observed: 13 variant alleles.
Comment: PMS2: BP1

Dasa
Classification: Uncertain significance. Last evaluated: 2026-02-09. Review status: criteria provided, single submitter. Criteria: DASA Assertion Criteria. Collection method: clinical testing. Allele origin: germline.
Comment: NM_000535.7(PMS2):c.953A>G (p.Tyr318Cys) is a missense variant that results in the substitution of tyrosine with cysteine. This classification is supported by population frequency inconsistent with a disease-causing role. Computational prediction algorithms are consistent with a deleterious effect. The currently available literature and clinical evidence are not sufficient to establish a definitive association between this variant and the reported condition. Therefore, this variant is classified as a variant of uncertain significance.

Labcorp Genetics (formerly Invitae), Labcorp
Classification: Benign for Hereditary nonpolyposis colorectal neoplasms. Last evaluated: 2026-02-01. Review status: criteria provided, single submitter. Criteria: Invitae Variant Classification Sherloc (09022015). Collection method: clinical testing. Allele origin: germline.

Hema, HEMA – Genetic and Molecular Diagnostic Laboratory
Classification: Uncertain significance for Lynch syndrome. Last evaluated: 2025-09-04. Review status: criteria provided, single submitter. Criteria: HEMA Variant Classification Assertion Criteria. Collection method: clinical testing. Allele origin: germline.
Comment: The c.953A>G p.(Tyr318Cys) variant is a transition from cytosine to thymine, resulting in the substitution of tyrosine 318 with cysteine in the PMS2 protein. PP3: Prior probability of pathogenicity score MAPP/PP2 = 0.7185 > 0.6800.

Center for Genomic Medicine, Rigshospitalet, Copenhagen University Hospital
Classification: Uncertain significance. Last evaluated: 2025-03-04. Review status: criteria provided, single submitter. Criteria: ACMG Guidelines, 2015. Collection method: clinical testing. Allele origin: germline.

Myriad Genetics, Inc.
Classification: Likely benign for Lynch syndrome 4. Last evaluated: 2025-01-29. Review status: criteria provided, single submitter. Criteria: Myriad Autosomal Dominant, Autosomal Recessive and X-Linked Classification Criteria (2023). Collection method: clinical testing. Allele origin: unknown.
Comment: This variant is considered likely benign. Homozygosity for this variant has been confirmed in one or more individuals lacking clinical features consistent with gene-specific recessive disease, indicating that this variant is unlikely to be pathogenic.

Blueprint Genetics
Classification: Likely benign. Last evaluated: 2024-09-19. Review status: criteria provided, single submitter. Criteria: ACMG Guidelines, 2015. Collection method: clinical testing. Allele origin: germline.

ARUP Laboratories, Molecular Genetics and Genomics, ARUP Laboratories
Classification: Likely benign. Last evaluated: 2024-08-02. Review status: criteria provided, single submitter. Criteria: ARUP Molecular Germline Variant Investigation Process 2024. Collection method: clinical testing. Allele origin: germline.

Institute for Biomarker Research, Medical Diagnostic Laboratories, L.L.C.
Classification: Benign for Hereditary cancer-predisposing syndrome. Last evaluated: 2023-09-26. Review status: criteria provided, single submitter. Criteria: ACMG Guidelines, 2015. Collection method: clinical testing. Allele origin: germline.

Quest Diagnostics Nichols Institute San Juan Capistrano
Classification: Benign. Last evaluated: 2023-01-31. Review status: criteria provided, single submitter. Criteria: Quest Diagnostics criteria. Collection method: clinical testing. Allele origin: unknown.

GeneDx
Classification: Likely benign. Last evaluated: 2021-04-14. Review status: criteria provided, single submitter. Criteria: GeneDx Variant Classification Process June 2021. Collection method: clinical testing. Allele origin: germline. Affected: yes.
Comment: This variant is associated with the following publications: (PMID: 22703879, 25801821, 25151201, 26689913, 27498913, 27739435, 25479140, 22949387, 23376243)

Sema4
Classification: Benign for Hereditary cancer-predisposing syndrome. Last evaluated: 2020-08-10. Review status: criteria provided, single submitter. Criteria: Sema4 Curation Guidelines. Collection method: curation. Allele origin: germline.

Women's Health and Genetics/Laboratory Corporation of America, LabCorp
Classification: Benign. Last evaluated: 2020-02-27. Review status: criteria provided, single submitter. Criteria: LabCorp Variant Classification Summary - May 2015. Collection method: clinical testing. Allele origin: germline. Inheritance: Autosomal dominant inheritance.
Comment: Variant summary: PMS2 c.953A>G (p.Tyr318Cys) results in a non-conservative amino acid change located in the DNA mismatch repair protein, C-terminal (IPR013507) of the encoded protein sequence. Five of five in-silico tools predict a damaging effect of the variant on protein function. The variant allele was found at a frequency of 0.00051 in 254040 control chromosomes. Although pseudogene interference cannot be completely ruled out, this allele frequency is likely accurate because there are several mismatches between PMS2 and the pseudogene within 25 bases upstream of the variant of interest, increasing the likelihood of specificity. The observed variant frequency is approximately 4.5 fold of the estimated maximal expected allele frequency for a pathogenic variant in PMS2 causing Lynch Syndrome phenotype (0.00011), strongly suggesting that the variant is benign. c.953A>G has been reported in the literature in sequencing studies of individuals affected with prostrate cancer, healthy AJ centenarians with no evidence of cancer, and BRCA testing cohorts (example, Grant_2015, Han_2013, Tung_2015). These report(s) do not provide unequivocal conclusions about association of the variant with Lynch Syndrome. At-least two co-occurrences with other pathogenic variants have been reported (BRCA1 c.68_69del, p.Glu23ValfsX17)(Tung_2015) and MSH6 c.3984_3987dupGTCA, p.Leu1330fsX12 at our laboratory), providing additional supporting evidence for a benign role. Eleven clinical diagnostic laboratories have submitted clinical-significance assessments for this variant to ClinVar after 2014 without evidence for independent evaluation. Multiple laboratories reported the variant with conflicting assessments (benign (1)/likely benign(7), n=8 and VUS, n=3). Based on the evidence outlined above, the variant was re-classified from likely benign to benign.

Mendelics
Classification: Uncertain significance for Lynch syndrome 4. Last evaluated: 2019-05-28. Review status: criteria provided, single submitter. Criteria: Mendelics Assertion Criteria 2017. Collection method: clinical testing. Allele origin: unknown.

Ambry Genetics
Classification: Likely benign for Hereditary cancer-predisposing syndrome. Last evaluated: 2018-12-13. Review status: criteria provided, single submitter. Criteria: Ambry Variant Classification Scheme 2023. Collection method: clinical testing. Allele origin: germline.

Illumina Laboratory Services, Illumina
Classification: Likely benign for Lynch syndrome 4. Last evaluated: 2017-04-27. Review status: criteria provided, single submitter. Criteria: ICSL Variant Classification Criteria 13 December 2019. Collection method: clinical testing. Allele origin: germline.
Comment: This variant was observed as part of a predisposition screen in an ostensibly healthy population. A literature search was performed for the gene, cDNA change, and amino acid change (where applicable). Publications were found based on this search. The evidence from the literature, in combination with allele frequency data from public databases where available, was sufficient to determine this variant is unlikely to cause disease. Therefore, this variant is classified as likely benign.